The following is an entry in ClinVar:

NM_000038.6(APC):c.6871C>T (p.Gln2291Ter)

Gene: APC (APC regulator of Wnt signaling pathway; plus strand). Cytogenetic location: 5q22.2.
Variant type: single nucleotide variant.
Coding change: c.6871C>T on transcript NM_000038.6 (MANE Select); coding-DNA position 6871, C replaced by T.
Protein change: p.Gln2291Ter; replaces glutamine 2291 with a stop codon.
Molecular consequence: nonsense.
Genome position (GRCh38, 1-based): chr5:112,842,465, C>T. VCF-style: chr5-112842465-C-T. GRCh37 (hg19) VCF-style: chr5-112178162-C-T.
Other names: c.6871C>T, p.Gln2291Ter (NM_001127510.3, NM_001354895.2); c.6817C>T, p.Gln2273Ter (NM_001127511.3); c.6925C>T, p.Gln2309Ter (NM_001354896.2); c.6901C>T, p.Gln2301Ter (NM_001354897.2); c.6796C>T, p.Gln2266Ter (NM_001354898.2); c.6787C>T, p.Gln2263Ter (NM_001354899.2); c.6748C>T, p.Gln2250Ter (NM_001354900.2); c.6694C>T, p.Gln2232Ter (NM_001354901.2); and 5 more; short protein forms Q2291*, Q2273*, Q2190*, Q2250*, Q2266*, Q2309*, Q2008*, Q2131*.
Identifiers: ClinVar variation 565981 (VCV000565981.1), dbSNP rs1561610839, ClinGen allele CA16036328.

ClinVar aggregate classification (germline): Pathogenic (1 of 4 stars; one submission).

Conditions:
Familial adenomatous polyposis 1 (FAP1). Also called: FAMILIAL ADENOMATOUS POLYPOSIS 1, ATTENUATED; POLYPOSIS, ADENOMATOUS INTESTINAL. Identifiers: MedGen C2713442, MONDO:0021056, OMIM 175100. Disease mechanism: loss of function.

Submission:

Labcorp Genetics (formerly Invitae), Labcorp
Classification: Pathogenic for Familial adenomatous polyposis 1. Last evaluated: 2018-06-24. Review status: criteria provided, single submitter. Criteria: Invitae Variant Classification Sherloc (09022015). Collection method: clinical testing. Allele origin: germline.
Comment: This sequence change results in a premature translational stop signal in the APC gene (p.Gln2291*). While this is not anticipated to result in nonsense mediated decay, it is expected to disrupt the last 553 amino acids of the APC protein. This variant is not present in population databases (ExAC no frequency). This variant has not been reported in the literature in individuals with APC-related disease. This variant is expected to disrupt the EB1 and HDLG binding sites, which mediate interactions with the cytoskeleton (PMID: 15311282, 17293347).Â¬â€ While functional studies have not been performed to directly test the effect on APC protein function, this suggests that disruption of the C-terminal portion of the protein is functionally important. A different truncation, c.7932_7935del (p.Tyr2645Lysfs*14), that lies downstream of this variant has been determined to be pathogenicÂ¬â€ (PMID: 9824584, 1316610, 27081525, 8381579, 22135120, Invitae). For these reasons, this variant has been classified as Pathogenic.

Literature cited by the submitters: PubMed 9824584; PubMed 22135120; PubMed 27081525; PubMed 17293347; PubMed 1316610; PubMed 8381579; PubMed 15311282.